The following is an entry in ClinVar:

ClinVar aggregate classification (germline): Uncertain significance (1 of 4 stars; one submission).

Submission:

GeneDx
Classification: Uncertain significance. Last evaluated: 2025-06-18. Review status: criteria provided, single submitter. Criteria: GeneDx Variant Classification Process June 2021. Collection method: clinical testing. Allele origin: germline. Affected: yes.
Comment: Not observed at significant frequency in large population cohorts (gnomAD); In silico analysis suggests that this missense variant does not alter protein structure/function; Has not been previously published as pathogenic or benign to our knowledge

NM_015178.3(RHOBTB2):c.1515C>G (p.Ile505Met)

Gene: RHOBTB2 (Rho related BTB domain containing 2; plus strand). Cytogenetic location: 8p21.3.
Variant type: single nucleotide variant.
Coding change: c.1515C>G on transcript NM_015178.3 (MANE Select); coding-DNA position 1515, C replaced by G.
Protein change: p.Ile505Met; replaces isoleucine 505 with methionine.
Molecular consequence: missense variant.
Genome position (GRCh38, 1-based): chr8:23,008,006, C>G. VCF-style: chr8-23008006-C-G. GRCh37 (hg19) VCF-style: chr8-22865519-C-G.
Other names: c.1581C>G, p.Ile527Met (NM_001160036.2); c.1536C>G, p.Ile512Met (NM_001160037.2); c.1515C>G, p.Ile505Met (NM_001374791.1); short protein forms I505M, I512M, I527M.
Identifiers: ClinVar variation 4538689 (VCV004538689.1).